The following is an entry in ClinVar:

NM_001371986.1(UNC80):c.2480C>G (p.Ala827Gly)

Gene: UNC80 (unc-80 subunit of NALCN channel complex; plus strand). Cytogenetic location: 2q34.
Variant type: single nucleotide variant.
Coding change: c.2480C>G on transcript NM_001371986.1 (MANE Select); coding-DNA position 2480, C replaced by G.
Protein change: p.Ala827Gly; replaces alanine 827 with glycine.
Molecular consequence: missense variant.
Genome position (GRCh38, 1-based): chr2:209,829,233, C>G. VCF-style: chr2-209829233-C-G. GRCh37 (hg19) VCF-style: chr2-210693957-C-G.
Other names: c.2480C>G, p.Ala827Gly (NM_032504.2); c.2465C>G, p.Ala822Gly (NM_182587.4); short protein forms A822G, A827G.
Identifiers: ClinVar variation 1961178 (VCV001961178.5), dbSNP rs1052449435, ClinGen allele CA350137502.

ClinVar aggregate classification (germline): Uncertain significance (1 of 4 stars; one submission).

Allele frequency attached by ClinVar (database versions not stated): TOPMed below 0.00001; gnomAD 0.00001; gnomAD exomes 0.00001.
gnomAD v4.1: 9 of 1,550,988 alleles (0.00058%); highest among the groups gnomAD compares: Non-Finnish European, 0.00078%; no homozygotes.

Submission:

Labcorp Genetics (formerly Invitae), Labcorp
Classification: Uncertain significance. Last evaluated: 2022-03-12. Review status: criteria provided, single submitter. Criteria: Invitae Variant Classification Sherloc (09022015). Collection method: clinical testing. Allele origin: germline.
Comment: This variant is present in population databases (no rsID available, gnomAD 0.002%). This sequence change replaces alanine, which is neutral and non-polar, with glycine, which is neutral and non-polar, at codon 827 of the UNC80 protein (p.Ala827Gly). This variant has not been reported in the literature in individuals affected with UNC80-related conditions. In summary, the available evidence is currently insufficient to determine the role of this variant in disease. Therefore, it has been classified as a Variant of Uncertain Significance. Algorithms developed to predict the effect of missense changes on protein structure and function are either unavailable or do not agree on the potential impact of this missense change (SIFT: "Not Available"; PolyPhen-2: "Probably Damaging"; Align-GVGD: "Not Available").